The following is an entry in ClinVar:

NM_003718.5(CDK13):c.1136GCG[3] (p.Gly380_Asp381insGly)

Gene: CDK13 (cyclin dependent kinase 13; plus strand). Cytogenetic location: 7p14.1.
Variant type: Microsatellite.
Coding change: c.1136GCG[3] on transcript NM_003718.5 (MANE Select); three copies in a row of the 3-base unit GCG starting at c.1136; the reference has two copies in a row; one copy, 3 bases duplicated.
Protein change: p.Gly380_Asp381insGly.
Molecular consequence: inframe indel (on NM_031267.4).
Genome position (GRCh38, 1-based): chr7:39,951,780-39,951,782, GCG duplicated; duplicating any 3 consecutive bases within chr7:39,951,776-39,951,782 gives the same sequence; the position shown is the placement nearest the transcript's 3' end. VCF-style (leftmost placement, unchanged base first): chr7-39951775-G-GGGC. GRCh37 (hg19) VCF-style: chr7-39991374-G-GGGC.
Other names: c.1136_1138GCG[3], p.Gly380_Asp381insGly (NM_031267.4).
Identifiers: ClinVar variation 2635377 (VCV002635377.1), dbSNP rs2483677664, ClinGen allele CA2695198473.

ClinVar aggregate classification (germline): Uncertain significance (1 of 4 stars; one submission).

Conditions:
CDK13-related disorder. Also called: CDK13-related condition. Identifiers: MedGen C5816700.

Submission:

PreventionGenetics, part of Exact Sciences
Classification: Uncertain significance for CDK13-related condition. Last evaluated: 2022-11-15. Review status: criteria provided, single submitter. Criteria: ACMG Guidelines, 2015. Collection method: clinical testing. Allele origin: germline.
Comment: The CDK13 c.1139_1141dupGCG variant is predicted to result in an in-frame duplication (p.Gly380dup). To our knowledge, this variant has not been reported in the literature or in a large population database, indicating this variant is rare. At this time, the clinical significance of this variant is uncertain due to the absence of conclusive functional and genetic evidence.